The following is an entry in ClinVar:

NM_000138.5(FBN1):c.3218A>G (p.Glu1073Gly)

Gene: FBN1 (fibrillin 1; minus strand). Cytogenetic location: 15q21.1.
Variant type: single nucleotide variant.
Coding change: c.3218A>G on transcript NM_000138.5 (MANE Select); coding-DNA position 3218, A replaced by G.
Protein change: p.Glu1073Gly; replaces glutamic acid 1073 with glycine.
Molecular consequence: missense variant.
Genome position (GRCh38, 1-based): chr15:48,488,232, T>C on the plus strand (A>G on the coding strand, the complement: FBN1 is on the minus strand). VCF-style: chr15-48488232-T-C. GRCh37 (hg19) VCF-style: chr15-48780429-T-C.
Other names: c.3218A>G, p.Glu1073Gly (NM_001406716.1); short protein forms E1073G.
Identifiers: ClinVar variation 2946781 (VCV002946781.3), dbSNP rs2505552887, ClinGen allele CA392327729.

ClinVar aggregate classification (germline): Pathogenic (1 of 4 stars; one submission).

Conditions:
Marfan syndrome (MFS). Also called: MARFAN SYNDROME, TYPE I; Marfan syndrome type 1; Marfan's syndrome; Marfan syndrome, classic; FBN1-Related Marfan Syndrome. Identifiers: Orphanet 284963, Orphanet 558, MedGen C0024796, MONDO:0007947, OMIM 154700.
Familial thoracic aortic aneurysm and aortic dissection (TAAD). Also called: Thoracic aortic aneurysms and dissections. Identifiers: Orphanet 91387, MedGen C4707243, MONDO:0019625.

Submission:

Labcorp Genetics (formerly Invitae), Labcorp
Classification: Pathogenic for Marfan syndrome; Familial thoracic aortic aneurysm and aortic dissection. Last evaluated: 2023-08-30. Review status: criteria provided, single submitter. Criteria: Invitae Variant Classification Sherloc (09022015). Collection method: clinical testing. Allele origin: germline.
Comment: This missense change has been observed in individual(s) with Marfan syndrome (Invitae). In at least one individual the variant was observed to be de novo. For these reasons, this variant has been classified as Pathogenic. This variant disrupts the p.Glu1073 amino acid residue in FBN1. Other variant(s) that disrupt this residue have been determined to be pathogenic (PMID: 7611299, 8880577, 8882780, 10766875, 11175294, 16596670, 17324963, 21784848). This suggests that this residue is clinically significant, and that variants that disrupt this residue are likely to be disease-causing. Advanced modeling of protein sequence and biophysical properties (such as structural, functional, and spatial information, amino acid conservation, physicochemical variation, residue mobility, and thermodynamic stability) performed at Invitae indicates that this missense variant is expected to disrupt FBN1 protein function. This variant is not present in population databases (gnomAD no frequency). This sequence change replaces glutamic acid, which is acidic and polar, with glycine, which is neutral and non-polar, at codon 1073 of the FBN1 protein (p.Glu1073Gly).

Literature cited by the submitters: PubMed 7611299; PubMed 8880577; PubMed 8882780; PubMed 10766875; PubMed 11175294; PubMed 16596670; PubMed 17324963; PubMed 21784848.